The following is an entry in ClinVar:

ClinVar aggregate classification (germline): Uncertain significance (1 of 4 stars; one submission).

Conditions:
Aortic aneurysm, familial thoracic 6 (AAT6). Also called: FAMILIAL THORACIC AORTIC ANEURYSM WITH LIVEDO RETICULARIS AND IRIS FLOCCULI. Identifiers: MedGen C2673186, MONDO:0012730, OMIM 611788.

Submission:

Labcorp Genetics (formerly Invitae), Labcorp
Classification: Uncertain significance for Aortic aneurysm, familial thoracic 6. Last evaluated: 2022-10-23. Review status: criteria provided, single submitter. Criteria: Invitae Variant Classification Sherloc (09022015). Collection method: clinical testing. Allele origin: germline.
Comment: In summary, the available evidence is currently insufficient to determine the role of this variant in disease. Therefore, it has been classified as a Variant of Uncertain Significance. This variant disrupts the p.Pro245 amino acid residue in ACTA2. Other variant(s) that disrupt this residue have been observed in individuals with ACTA2-related conditions (PMID: 19409525, 25759435), which suggests that this may be a clinically significant amino acid residue. Advanced modeling of protein sequence and biophysical properties (such as structural, functional, and spatial information, amino acid conservation, physicochemical variation, residue mobility, and thermodynamic stability) performed at Invitae indicates that this missense variant is expected to disrupt ACTA2 protein function. This variant has not been reported in the literature in individuals affected with ACTA2-related conditions. This variant is not present in population databases (gnomAD no frequency). This sequence change replaces proline, which is neutral and non-polar, with alanine, which is neutral and non-polar, at codon 245 of the ACTA2 protein (p.Pro245Ala).

Literature cited by the submitters: PubMed 19409525; PubMed 25759435.

NM_001613.4(ACTA2):c.733C>G (p.Pro245Ala)

Genes: ACTA2 (actin alpha 2, smooth muscle; minus strand), ACTA2-AS1 (ACTA2 antisense RNA 1; plus strand). Cytogenetic location: 10q23.31.
Variant type: single nucleotide variant.
Coding change: c.733C>G on transcript NM_001613.4 (MANE Select); coding-DNA position 733, C replaced by G.
Protein change: p.Pro245Ala; replaces proline 245 with alanine.
Molecular consequence: missense variant. On other transcripts: non-coding transcript variant (1).
Genome position (GRCh38, 1-based): chr10:88,939,582, G>C on the plus strand (C>G on the coding strand, the complement: ACTA2 is on the minus strand). VCF-style: chr10-88939582-G-C. GRCh37 (hg19) VCF-style: chr10-90699339-G-C.
Other names: c.733C>G, p.Pro245Ala (NM_001141945.3, NM_001320855.2, NM_001406462.1 and 2 more transcripts); c.622C>G, p.Pro208Ala (NM_001406466.1); c.604C>G, p.Pro202Ala (NM_001406467.1, NM_001406468.1, NM_001406469.1); short protein forms P208A, P202A, P245A.
Identifiers: ClinVar variation 2036572 (VCV002036572.4), dbSNP rs2494528252, ClinGen allele CA377511296.